The following is an entry in ClinVar:

NM_002299.4(LCT):c.4425G>T (p.Arg1475Ser)

Gene: LCT (lactase; minus strand). Cytogenetic location: 2q21.3.
Variant type: single nucleotide variant.
Coding change: c.4425G>T on transcript NM_002299.4 (MANE Select); coding-DNA position 4425, G replaced by T.
Protein change: p.Arg1475Ser; replaces arginine 1475 with serine.
Molecular consequence: missense variant.
Genome position (GRCh38, 1-based): chr2:135,804,806, C>A on the plus strand (G>T on the coding strand, the complement: LCT is on the minus strand). VCF-style: chr2-135804806-C-A. GRCh37 (hg19) VCF-style: chr2-136562376-C-A.
Other names: short protein forms R1475S.
Identifiers: ClinVar variation 2825506 (VCV002825506.3), dbSNP rs2467501123, ClinGen allele CA348595725.

ClinVar aggregate classification (germline): Uncertain significance (1 of 4 stars; one submission).

Submission:

Labcorp Genetics (formerly Invitae), Labcorp
Classification: Uncertain significance. Last evaluated: 2022-12-31. Review status: criteria provided, single submitter. Criteria: Invitae Variant Classification Sherloc (09022015). Collection method: clinical testing. Allele origin: germline.
Comment: In summary, the available evidence is currently insufficient to determine the role of this variant in disease. Therefore, it has been classified as a Variant of Uncertain Significance. Advanced modeling of protein sequence and biophysical properties (such as structural, functional, and spatial information, amino acid conservation, physicochemical variation, residue mobility, and thermodynamic stability) performed at Invitae indicates that this missense variant is expected to disrupt LCT protein function. This variant has not been reported in the literature in individuals affected with LCT-related conditions. This variant is not present in population databases (gnomAD no frequency). This sequence change replaces arginine, which is basic and polar, with serine, which is neutral and polar, at codon 1475 of the LCT protein (p.Arg1475Ser).